The following is an entry in ClinVar:

NM_001267550.2(TTN):c.22536G>A (p.Lys7512=)

Gene: TTN (titin; minus strand). Cytogenetic location: 2q31.2.
Variant type: single nucleotide variant.
Coding change: c.22536G>A on transcript NM_001267550.2 (MANE Select); coding-DNA position 22536, G replaced by A.
Protein change: p.Lys7512=; no amino-acid change (lysine 7512 retained).
Molecular consequence: synonymous variant. On other transcripts: intron variant (3).
Genome position (GRCh38, 1-based): chr2:178,722,127, C>T on the plus strand (G>A on the coding strand, the complement: TTN is on the minus strand). VCF-style: chr2-178722127-C-T. GRCh37 (hg19) VCF-style: chr2-179586854-C-T.
Other names: c.21585G>A, p.Lys7195= (NM_001256850.1); c.18804G>A, p.Lys6268= (NM_133378.4); c.13282+15955G>A (NM_003319.4); c.13858+15955G>A (NM_133437.4); c.13657+15955G>A (NM_133432.3).
Identifiers: ClinVar variation 513386 (VCV000513386.1), dbSNP rs1553910053, ClinGen allele CA430288021.

ClinVar aggregate classification (germline): Likely benign (1 of 4 stars; one submission).

gnomAD v4.1: 1 of 1,561,722 alleles (0.000064%); no homozygotes.

Submission:

GeneDx
Classification: Likely benign. Last evaluated: 2017-11-10. Review status: criteria provided, single submitter. Criteria: GeneDx Variant Classification (06012015). Collection method: clinical testing. Allele origin: germline. Affected: yes.
Comment: This variant is considered likely benign or benign based on one or more of the following criteria: it is a conservative change, it occurs at a poorly conserved position in the protein, it is predicted to be benign by multiple in silico algorithms, and/or has population frequency not consistent with disease.